The following is an entry in ClinVar:

NM_001004334.4(GPR179):c.5723del (p.Leu1908fs)

Gene: GPR179 (G protein-coupled receptor 179; minus strand). Cytogenetic location: 17q12.
Variant type: Deletion.
Coding change: c.5723del on transcript NM_001004334.4 (MANE Select); coding-DNA position 5723, one base deleted (T; older notation c.5723delT).
Protein change: p.Leu1908fs; shifts the reading frame from leucine 1908.
Molecular consequence: frameshift variant.
Genome position (GRCh38, 1-based): chr17:38,327,846, A deleted on the plus strand (T on the coding strand, the reverse complement: GPR179 is on the minus strand); the first of 2 consecutive A bases (chr17:38,327,846-38,327,847); deleting either gives the same sequence. VCF-style (leftmost placement, unchanged base first): chr17-38327845-CA-C. GRCh37 (hg19) VCF-style: chr17-36483728-CA-C.
Other names: short protein forms L1908fs.
Identifiers: ClinVar variation 1384565 (VCV001384565.6), dbSNP rs2144256068, ClinGen allele CA2573153910.

ClinVar aggregate classification (germline): Uncertain significance (1 of 4 stars; one submission).

Submission:

Labcorp Genetics (formerly Invitae), Labcorp
Classification: Uncertain significance. Last evaluated: 2022-01-06. Review status: criteria provided, single submitter. Criteria: Invitae Variant Classification Sherloc (09022015). Collection method: clinical testing. Allele origin: germline.
Comment: This sequence change creates a premature translational stop signal (p.Leu1908Trpfs*9) in the GPR179 gene. While this is not anticipated to result in nonsense mediated decay, it is expected to disrupt the last 460 amino acid(s) of the GPR179 protein. This variant is not present in population databases (gnomAD no frequency). This variant has not been reported in the literature in individuals affected with GPR179-related conditions. In summary, the available evidence is currently insufficient to determine the role of this variant in disease. Therefore, it has been classified as a Variant of Uncertain Significance.